The following is an entry in ClinVar:

ClinVar aggregate classification (germline): Uncertain significance. Review status: criteria provided, multiple submitters, no conflicts (2 of 4 stars). 3 submissions from 3 submitters: Uncertain significance (3). Last evaluated 2025-06-12.

Conditions:
Hypokalemic periodic paralysis, type 1. Also called: HypoPP; Hypokalemic Periodic Paralysis Type 1 (AD). Identifiers: Orphanet 681, MedGen C3714580, MONDO:0042979, OMIM 170400.
Hyperkalemic periodic paralysis. Also called: Familial hyperkalemic periodic paralysis; Gamstorp disease. Identifiers: Orphanet 682, MedGen C0238357, MONDO:0008224, OMIM 170500, HP:0007215.
Paramyotonia congenita of Von Eulenburg. Also called: Eulenburg disease; Myotonia congenita intermittens; Von Eulenburg paramyotonia congenita; Paramyotonia Congenita; PARALYSIS PERIODICA PARAMYOTONICA. Identifiers: Orphanet 684, MedGen C0221055, MONDO:0008195, OMIM 168300. Disease mechanism: loss of function.
Hypokalemic periodic paralysis, type 2 (HOKPP2). Identifiers: Orphanet 681, MedGen C2750061, MONDO:0013234, OMIM 613345.
Potassium-aggravated myotonia. Also called: MYOTONIA CONGENITA, ACETAZOLAMIDE-RESPONSIVE; MYOTONIA CONGENITA, ATYPICAL; SODIUM CHANNEL MUSCLE DISEASE; Myotonia congenita, atypical, acetazolamide-responsive. Identifiers: Orphanet 612, Orphanet 99734, Orphanet 99735, Orphanet 99736, MedGen C2931826, MONDO:0018959, OMIM 608390.
Congenital myasthenic syndrome 16. Identifiers: Orphanet 590, MedGen C3280112, MONDO:0013620, OMIM 614198.

Allele frequency attached by ClinVar (database versions not stated): 1000 Genomes Project 30x 0.00031; gnomAD 0.00004; 1000 Genomes Project 0.00040; TOPMed 0.00004.
gnomAD v4.1: 28 of 1,613,544 alleles (0.0017%); highest among the groups gnomAD compares: East Asian, 0.013%; no homozygotes.

Submissions (3):

Labcorp Genetics (formerly Invitae), Labcorp
Classification: Uncertain significance for Hyperkalemic periodic paralysis. Last evaluated: 2025-06-12. Review status: criteria provided, single submitter. Criteria: Invitae Variant Classification Sherloc (09022015). Collection method: clinical testing. Allele origin: germline.
Comment: This sequence change replaces arginine, which is basic and polar, with tryptophan, which is neutral and slightly polar, at codon 41 of the SCN4A protein (p.Arg41Trp). This variant is present in population databases (rs558855276, gnomAD 0.01%). This missense change has been observed in individual(s) with primary periodic paralysis (PMID: 31068157, 31567646). ClinVar contains an entry for this variant (Variation ID: 854533). Invitae Evidence Modeling of protein sequence and biophysical properties (such as structural, functional, and spatial information, amino acid conservation, physicochemical variation, residue mobility, and thermodynamic stability) indicates that this missense variant is not expected to disrupt SCN4A protein function with a negative predictive value of 95%. In summary, the available evidence is currently insufficient to determine the role of this variant in disease. Therefore, it has been classified as a Variant of Uncertain Significance.

Revvity Omics, Revvity
Classification: Uncertain significance. Last evaluated: 2024-06-25. Review status: criteria provided, single submitter. Criteria: ACMG Guidelines, 2015. Collection method: clinical testing. Allele origin: germline.

Fulgent Genetics
Classification: Uncertain significance for Paramyotonia congenita of Von Eulenburg; Hypokalemic periodic paralysis, type 1; Hyperkalemic periodic paralysis; Potassium-aggravated myotonia; Hypokalemic periodic paralysis, type 2; Congenital myasthenic syndrome 16. Last evaluated: 2022-04-21. Review status: criteria provided, single submitter. Criteria: ACMG Guidelines, 2015. Collection method: clinical testing. Allele origin: unknown.

Literature cited by the submitters: PubMed 31068157 (cited by Labcorp Genetics (formerly Invitae), Labcorp); PubMed 31567646 (cited by Labcorp Genetics (formerly Invitae), Labcorp).

NM_000334.4(SCN4A):c.121C>T (p.Arg41Trp)

Gene: SCN4A (sodium voltage-gated channel alpha subunit 4; minus strand). Cytogenetic location: 17q23.3.
Variant type: single nucleotide variant.
Coding change: c.121C>T on transcript NM_000334.4 (MANE Select); coding-DNA position 121, C replaced by T.
Protein change: p.Arg41Trp; replaces arginine 41 with tryptophan.
Molecular consequence: missense variant.
Genome position (GRCh38, 1-based): chr17:63,972,721, G>A on the plus strand (C>T on the coding strand, the complement: SCN4A is on the minus strand). VCF-style: chr17-63972721-G-A. GRCh37 (hg19) VCF-style: chr17-62050081-G-A.
Other names: short protein forms R41W.
Identifiers: ClinVar variation 854533 (VCV000854533.14), dbSNP rs558855276, ClinGen allele CA8710278.